The following is an entry in ClinVar:

ClinVar aggregate classification (germline): Uncertain significance (1 of 4 stars; one submission).

Submission:

Labcorp Genetics (formerly Invitae), Labcorp
Classification: Uncertain significance. Last evaluated: 2018-06-17. Review status: criteria provided, single submitter. Criteria: Invitae Variant Classification Sherloc (09022015). Collection method: clinical testing. Allele origin: germline.
Comment: This variant has not been reported in the literature in individuals with PITX3-related disease. In summary, the available evidence is currently insufficient to determine the role of this variant in disease. Therefore, it has been classified as a Variant of Uncertain Significance. This sequence change results in a premature translational stop signal in the PITX3 gene (p.Lys130*). While this is not anticipated to result in nonsense mediated decay, it is expected to disrupt the last 173 amino acids of the PITX3 protein. This variant is not present in population databases (ExAC no frequency).

NM_005029.4(PITX3):c.388A>T (p.Lys130Ter)

Genes: GBF1 (golgi brefeldin A resistant guanine nucleotide exchange factor 1; plus strand), PITX3 (paired like homeodomain 3; minus strand). Cytogenetic location: 10q24.32.
Variant type: single nucleotide variant.
Coding change: c.388A>T on transcript NM_005029.4 (MANE Select); coding-DNA position 388, A replaced by T.
Protein change: p.Lys130Ter; replaces lysine 130 with a stop codon.
Molecular consequence: nonsense.
Genome position (GRCh38, 1-based): chr10:102,231,035, T>A on the plus strand (A>T on the coding strand, the complement: PITX3 is on the minus strand). VCF-style: chr10-102231035-T-A. GRCh37 (hg19) VCF-style: chr10-103990792-T-A.
Other names: short protein forms K130*.
Identifiers: ClinVar variation 583055 (VCV000583055.6), dbSNP rs1564991469, ClinGen allele CA378162108.